The following is an entry in ClinVar:

ClinVar aggregate classification (germline): Uncertain significance (1 of 4 stars; one submission).

Conditions:
Inborn genetic diseases. Identifiers: MedGen C0950123, MeSH D030342.

gnomAD v4.1: 1 of 1,611,676 alleles (0.000062%); highest among the groups gnomAD compares: Non-Finnish European, 0.000085%; no homozygotes.

Submission:

Ambry Genetics
Classification: Uncertain significance for Inborn genetic diseases. Last evaluated: 2021-01-27. Review status: criteria provided, single submitter. Criteria: Ambry Variant Classification Scheme 2023. Collection method: clinical testing. Allele origin: germline.
Comment: The c.5626C>G (p.L1876V) alteration is located in exon 38 (coding exon 38) of the CDK5RAP2 gene. This alteration results from a C to G substitution at nucleotide position 5626, causing the leucine (L) at amino acid position 1876 to be replaced by a valine (V). The p.L1876V alteration is predicted to be tolerated by in silico analysis. Based on insufficient or conflicting evidence, the clinical significance of this alteration remains unclear.

NM_018249.6(CDK5RAP2):c.5626C>G (p.Leu1876Val)

Gene: CDK5RAP2 (CDK5 regulatory subunit associated protein 2; minus strand). Cytogenetic location: 9q33.2.
Variant type: single nucleotide variant.
Coding change: c.5626C>G on transcript NM_018249.6 (MANE Select); coding-DNA position 5626, C replaced by G.
Protein change: p.Leu1876Val; replaces leucine 1876 with valine.
Molecular consequence: missense variant. On other transcripts: non-coding transcript variant (5).
Genome position (GRCh38, 1-based): chr9:120,389,292, G>C on the plus strand (C>G on the coding strand, the complement: CDK5RAP2 is on the minus strand). VCF-style: chr9-120389292-G-C. GRCh37 (hg19) VCF-style: chr9-123151570-G-C.
Other names: c.5389C>G, p.Leu1797Val (NM_001011649.3); c.4936C>G, p.Leu1646Val (NM_001272039.2); c.5527C>G, p.Leu1843Val (NM_001410992.1); c.5530C>G, p.Leu1844Val (NM_001410993.1); c.5623C>G, p.Leu1875Val (NM_001410994.1); short protein forms L1844V, L1646V, L1843V, L1797V, L1875V, L1876V.
Identifiers: ClinVar variation 2229124 (VCV002229124.2), dbSNP rs754995238, ClinGen allele CA374700176.
Genomic context (GRCh38, chr9:120,389,292, plus strand): 5'-CTTCTCAGGAGCCTGGTCTGCTGGGACTGCATGTTCCTGGATGGGCTCCCCCAGGCCTAA[G>C]CTAGGAAAAGGAAGAAAAAAAAGGAGAATTTTAAGTCCAAAGGAGGTTTCTGAAGTAAGA-3'
Protein context (NP_060719.4, residues 1866-1886): ILRKARGNLE[Leu1876Val]RPGGAHPGTC